The following is an entry in ClinVar:

NM_000432.4(MYL2):c.93+1G>A

Genes: MYL2 (myosin light chain 2; minus strand), LOC114827850 (VISTA enhancer hs2149; plus strand). Cytogenetic location: 12q24.11.
Variant type: single nucleotide variant.
Coding change: c.93+1G>A on transcript NM_000432.4 (MANE Select); the canonical splice donor site of the intron after coding-DNA position 93, G replaced by A.
Molecular consequence: splice donor variant.
Genome position (GRCh38, 1-based): chr12:110,919,103, C>T on the plus strand (G>A on the coding strand, the complement: MYL2 is on the minus strand). VCF-style: chr12-110919103-C-T. GRCh37 (hg19) VCF-style: chr12-111356907-C-T.
Other names: c.36+1G>A (NM_001406916.1); c.93+1G>A (NM_001406745.1).
Identifiers: ClinVar variation 1440866 (VCV001440866.10), dbSNP rs2071703627, ClinGen allele CA386700185.
Genomic context (GRCh38, chr12:110,919,103, plus strand): 5'-GAAGGTTCTCCCTCGTGGGTGGGATTTCCATCCAGGCGGATGATTCAATAGCTGCACCCA[C>T]CTCCTTAAATTCCTGGATTTGGGTCTGTTCGAACATGGAGAACACGTTGGAGTTGGCGCC-3'

ClinVar aggregate classification (germline): Uncertain significance. Review status: criteria provided, multiple submitters, no conflicts (2 of 4 stars). 3 submissions from 3 submitters: Uncertain significance (3). Last evaluated 2025-11-17.

Conditions:
Hypertrophic cardiomyopathy 10. Also called: CARDIOMYOPATHY, HYPERTROPHIC, MID-LEFT VENTRICULAR CHAMBER TYPE, 2; MYL2-Related Familial Hypertrophic Cardiomyopathy. Identifiers: MedGen C1834460, MONDO:0012112, OMIM 608758.
Hypertrophic cardiomyopathy. Also called: HYPERTROPHIC MYOCARDIOPATHY. Identifiers: Orphanet 217569, MedGen C0007194, MeSH D002312, MONDO:0005045, HP:0001639.
Cardiomyopathy (CMYO). Also called: Cardiomyopathies. Identifiers: Orphanet 167848, MedGen C0878544, MONDO:0004994, HP:0001638. Inheritance: Various modes of inheritance.

Allele frequency attached by ClinVar (database versions not stated): gnomAD exomes below 0.00001.

Submissions (3):

Labcorp Genetics (formerly Invitae), Labcorp
Classification: Uncertain significance for Hypertrophic cardiomyopathy 10. Last evaluated: 2025-11-17. Review status: criteria provided, single submitter. Criteria: Invitae Variant Classification Sherloc (09022015). Collection method: clinical testing. Allele origin: germline.
Comment: This sequence change affects a donor splice site in intron 2 of the MYL2 gene. It is expected to disrupt RNA splicing. Variants that disrupt the donor or acceptor splice site typically lead to a loss of protein function (PMID: 16199547), however the current clinical and genetic evidence is not sufficient to establish whether loss-of-function variants in MYL2 cause disease. This variant is not present in population databases (gnomAD no frequency). This variant has not been reported in the literature in individuals affected with MYL2-related conditions. ClinVar contains an entry for this variant (Variation ID: 1440866). Algorithms developed to predict the effect of sequence changes on RNA splicing suggest that this variant may disrupt the consensus splice site. In summary, the available evidence is currently insufficient to determine the role of this variant in disease. Therefore, it has been classified as a Variant of Uncertain Significance.

Color Diagnostics, LLC DBA Color Health
Classification: Uncertain significance for Cardiomyopathy. Last evaluated: 2025-03-24. Review status: criteria provided, single submitter. Criteria: ACMG Guidelines, 2015. Collection method: clinical testing. Allele origin: germline.
Comment: This variant causes a G>A nucleotide substitution at the +1 position of intron 2 of the MYL2 gene. Splice site prediction tools suggest that this variant may have a significant impact on RNA splicing. Although this prediction has not been confirmed in published RNA studies, this variant is expected to result in an absent or disrupted protein product. This variant has not been reported in individuals affected with MYL2-related disorders in the literature. This variant has not been identified in the general population by the Genome Aggregation Database (gnomAD). Clinical relevance of loss-of-function MYL2 truncation and splice variants in autosomal dominant cardiovascular disorders is not clearly established. The available evidence is insufficient to determine the role of this variant in disease conclusively. Therefore, this variant is classified as a Variant of Uncertain Significance.

All of Us Research Program, National Institutes of Health
Classification: Uncertain significance for Hypertrophic cardiomyopathy. Last evaluated: 2023-04-27. Review status: criteria provided, single submitter. Criteria: ACMG Guidelines, 2015. Collection method: clinical testing. Allele origin: germline. Inheritance: Autosomal dominant inheritance. Observed: 1 variant allele, 1 heterozygote.
Comment: This study involves interpretation of variants in research participants for the purpose of population health screening. Participant phenotype was not available at the time of variant classification. Additional details can be found in publication PMID: 35346344, PMCID: PMC8962531

Literature cited by the submitters: PubMed 16199547 (cited by Labcorp Genetics (formerly Invitae), Labcorp).